The following is an entry in ClinVar:

NM_004281.4(BAG3):c.272C>T (p.Pro91Leu)

Gene: BAG3 (BAG cochaperone 3; plus strand). Cytogenetic location: 10q26.11.
Variant type: single nucleotide variant.
Coding change: c.272C>T on transcript NM_004281.4 (MANE Select); coding-DNA position 272, C replaced by T.
Protein change: p.Pro91Leu; replaces proline 91 with leucine.
Molecular consequence: missense variant.
Genome position (GRCh38, 1-based): chr10:119,669,942, C>T. VCF-style: chr10-119669942-C-T. GRCh37 (hg19) VCF-style: chr10-121429454-C-T.
Other names: short protein forms P91L.
Identifiers: ClinVar variation 1038980 (VCV001038980.8), dbSNP rs1847121929, ClinGen allele CA378294767.

ClinVar aggregate classification (germline): Uncertain significance (1 of 4 stars; one submission).

Conditions:
Myofibrillar myopathy 6. Identifiers: Orphanet 199340, MedGen C2751831, MONDO:0013061, OMIM 612954.
Dilated cardiomyopathy 1HH (CMD1HH). Identifiers: Orphanet 154, MedGen C3151293, MONDO:0013479, OMIM 613881.

Allele frequency attached by ClinVar (database versions not stated): gnomAD exomes below 0.00001.

Submission:

Labcorp Genetics (formerly Invitae), Labcorp
Classification: Uncertain significance for Dilated cardiomyopathy 1HH; Myofibrillar myopathy 6. Last evaluated: 2022-10-23. Review status: criteria provided, single submitter. Criteria: Invitae Variant Classification Sherloc (09022015). Collection method: clinical testing. Allele origin: germline.
Comment: ClinVar contains an entry for this variant (Variation ID: 1038980). Advanced modeling of protein sequence and biophysical properties (such as structural, functional, and spatial information, amino acid conservation, physicochemical variation, residue mobility, and thermodynamic stability) performed at Invitae indicates that this missense variant is not expected to disrupt BAG3 protein function. In summary, the available evidence is currently insufficient to determine the role of this variant in disease. Therefore, it has been classified as a Variant of Uncertain Significance. This variant has not been reported in the literature in individuals affected with BAG3-related conditions. This sequence change replaces proline, which is neutral and non-polar, with leucine, which is neutral and non-polar, at codon 91 of the BAG3 protein (p.Pro91Leu). This variant is not present in population databases (gnomAD no frequency).